The following is an entry in ClinVar:

NM_025137.4(SPG11):c.1801C>A (p.Pro601Thr)

Gene: SPG11 (SPG11 vesicle trafficking associated, spatacsin; minus strand). Cytogenetic location: 15q21.1.
Variant type: single nucleotide variant.
Coding change: c.1801C>A on transcript NM_025137.4 (MANE Select); coding-DNA position 1801, C replaced by A.
Protein change: p.Pro601Thr; replaces proline 601 with threonine.
Molecular consequence: missense variant.
Genome position (GRCh38, 1-based): chr15:44,629,323, G>T on the plus strand (C>A on the coding strand, the complement: SPG11 is on the minus strand). VCF-style: chr15-44629323-G-T. GRCh37 (hg19) VCF-style: chr15-44921521-G-T.
Other names: p.Pro601Thr; c.1801C>A, p.Pro601Thr (NM_001160227.2); short protein forms P601T.
Identifiers: ClinVar variation 316106 (VCV000316106.18), dbSNP rs775799559, ClinGen allele CA7535435.

ClinVar aggregate classification (germline): Conflicting classifications of pathogenicity. Review status: criteria provided, conflicting classifications (1 of 4 stars). 6 submissions from 6 submitters: Uncertain significance (5); Likely benign (1). Last evaluated 2026-04-04.

Conditions:
SPG11-related disorder. Also called: SPG11-related condition.
Hereditary spastic paraplegia 11. Also called: Spastic paraplegia, mental retardation and thin corpus callosum; SPASTIC PARAPLEGIA, AUTOSOMAL RECESSIVE, COMPLICATED, WITH THIN CORPUS CALLOSUM; SPASTIC PARAPLEGIA, AUTOSOMAL RECESSIVE, WITH MENTAL IMPAIRMENT AND THIN CORPUS CALLOSUM; Spastic Paraplegia 11; Nakamura Osame syndrome; Autosomal recessive hereditary spastic paraplegia, mental impairment, and thin corpus callosum. Identifiers: Orphanet 2822, MedGen C1858479, MONDO:0011445, OMIM 604360.
Inborn genetic diseases. Identifiers: MedGen C0950123, MeSH D030342.

Allele frequency attached by ClinVar (database versions not stated): ExAC 0.00002; gnomAD exomes 0.00007; TOPMed 0.00007.

Submissions (6):

PreventionGenetics, part of Exact Sciences
Classification: Uncertain significance for SPG11-related condition. Last evaluated: 2026-04-04. Review status: criteria provided, single submitter. Criteria: ACMG Guidelines, 2015. Collection method: clinical testing. Allele origin: germline.
Comment: The SPG11 c.1801C>A variant is predicted to result in the amino acid substitution p.Pro601Thr. To our knowledge, this variant has not been reported in the literature. This variant is reported in 0.040% of alleles in individuals of Latino descent in gnomAD. At this time, the clinical significance of this variant is uncertain due to the absence of conclusive functional and genetic evidence.

Mayo Clinic Laboratories, Mayo Clinic
Classification: Uncertain significance. Last evaluated: 2025-07-16. Review status: criteria provided, single submitter. Criteria: ACMG Guidelines, 2015. Collection method: clinical testing. Allele origin: germline. Observed: 1 variant allele.
Comment: BP4_moderate

GeneDx
Classification: Likely benign. Last evaluated: 2023-06-23. Review status: criteria provided, single submitter. Criteria: GeneDx Variant Classification Process June 2021. Collection method: clinical testing. Allele origin: germline. Affected: yes.
Comment: See Variant Classification Assertion Criteria.

Labcorp Genetics (formerly Invitae), Labcorp
Classification: Uncertain significance for Hereditary spastic paraplegia 11. Last evaluated: 2022-09-13. Review status: criteria provided, single submitter. Criteria: Invitae Variant Classification Sherloc (09022015). Collection method: clinical testing. Allele origin: germline.
Comment: This sequence change replaces proline, which is neutral and non-polar, with threonine, which is neutral and polar, at codon 601 of the SPG11 protein (p.Pro601Thr). This variant is present in population databases (rs775799559, gnomAD 0.04%). This variant has not been reported in the literature in individuals affected with SPG11-related conditions. ClinVar contains an entry for this variant (Variation ID: 316106). Advanced modeling of protein sequence and biophysical properties (such as structural, functional, and spatial information, amino acid conservation, physicochemical variation, residue mobility, and thermodynamic stability) performed at Invitae indicates that this missense variant is not expected to disrupt SPG11 protein function. In summary, the available evidence is currently insufficient to determine the role of this variant in disease. Therefore, it has been classified as a Variant of Uncertain Significance.

Ambry Genetics
Classification: Uncertain significance for Inborn genetic diseases. Last evaluated: 2019-09-06. Review status: criteria provided, single submitter. Criteria: Ambry Variant Classification Scheme 2023. Collection method: clinical testing. Allele origin: germline.
Comment: The p.P601T variant (also known as c.1801C>A), located in coding exon 9 of the SPG11 gene, results from a C to A substitution at nucleotide position 1801. The proline at codon 601 is replaced by threonine, an amino acid with highly similar properties. This amino acid position is not well conserved in available vertebrate species, and threonine is the reference amino acid in other vertebrate species. In addition, this alteration is predicted to be tolerated by in silico analysis. Since supporting evidence is limited at this time, the clinical significance of this alteration remains unclear.

Illumina Laboratory Services, Illumina
Classification: Uncertain significance for Hereditary spastic paraplegia 11. Last evaluated: 2018-01-13. Review status: criteria provided, single submitter. Criteria: ICSL Variant Classification Criteria 13 December 2019. Collection method: clinical testing. Allele origin: germline.